The following is an entry in ClinVar:

NM_015354.3(NUP188):c.2393+6G>T

Gene: NUP188 (nucleoporin 188; plus strand). Cytogenetic location: 9q34.11.
Variant type: single nucleotide variant.
Coding change: c.2393+6G>T on transcript NM_015354.3 (MANE Select); 6 bases into the intron after coding-DNA position 2393, G replaced by T.
Molecular consequence: intron variant.
Genome position (GRCh38, 1-based): chr9:128,987,723, G>T. VCF-style: chr9-128987723-G-T. GRCh37 (hg19) VCF-style: chr9-131750002-G-T.
Other names: c.2393+6G>T (NM_015354.2).
Identifiers: ClinVar variation 2571341 (VCV002571341.29), dbSNP rs41316518, ClinGen allele CA5272627.
Genomic context (GRCh38, chr9:128,987,723, plus strand): 5'-TCATGGGCATTGGCGTGGACACCATTGACATGGTGATGGCTGCTCAGCCTCGAAGGTAGG[G>T]CTCCTTCTCCACGTTCCCTTTGTCTGTCTTTATTGTGCCTGCATGTTACTAATAACTCCA-3'

ClinVar aggregate classification (germline): Benign/Likely benign. Review status: criteria provided, multiple submitters, no conflicts (2 of 4 stars). 3 submissions from 3 submitters: Benign (1); Likely benign (1). 1 of the submissions does not count toward it. Last evaluated 2026-09-01.

Conditions:
NUP188-related disorder. Also called: NUP188-related condition.

Allele frequency attached by ClinVar (database versions not stated): 1000 Genomes Project 0.00240; 1000 Genomes Project 30x 0.00265; TOPMed 0.00568; gnomAD 0.00577; ESP Exome Variant Server 0.00815.
gnomAD v4.1: 14,706 of 1,611,688 alleles (0.91%); highest among the groups gnomAD compares: Non-Finnish European, 1.1%; 73 homozygotes.

Submissions (3):

CeGaT Center for Human Genetics Tuebingen
Classification: Benign. Last evaluated: 2026-09-01. Review status: criteria provided, single submitter. Criteria: CeGaT Center For Human Genetics Tuebingen Variant Classification Criteria Version 2. Collection method: clinical testing. Allele origin: germline. Affected: yes. Observed: 24 variant alleles.
Comment: NUP188: BP4, BS1, BS2

Blueprint Genetics
Classification: Likely benign. Last evaluated: 2024-11-27. Review status: criteria provided, single submitter. Criteria: ACMG Guidelines, 2015. Collection method: clinical testing. Allele origin: germline.

PreventionGenetics, part of Exact Sciences
Classification: Benign for NUP188-related condition. Last evaluated: 2019-02-26. Review status: no assertion criteria provided. Collection method: clinical testing. Allele origin: germline. Not counted in ClinVar's aggregate classification.
Comment: This variant is classified as benign based on ACMG/AMP sequence variant interpretation guidelines (Richards et al. 2015 PMID: 25741868, with internal and published modifications).